The following is an entry in ClinVar:

ClinVar aggregate classification (germline): Uncertain significance (1 of 4 stars; one submission).

Allele frequency attached by ClinVar (database versions not stated): gnomAD 0.00001; gnomAD exomes 0.00001; TOPMed 0.00002.
gnomAD v4.1: 15 of 1,611,646 alleles (0.00093%); highest among the groups gnomAD compares: Non-Finnish European, 0.0013%; no homozygotes.

Submission:

GeneDx
Classification: Uncertain significance. Last evaluated: 2020-03-03. Review status: criteria provided, single submitter. Criteria: GeneDx Variant Classification Process June 2021. Collection method: clinical testing. Allele origin: germline. Affected: yes.
Comment: Not observed at a significant frequency in large population cohorts (Lek et al., 2016); In silico analysis supports that this missense variant has a deleterious effect on protein structure/function; Has not been previously published as pathogenic or benign to our knowledge

NM_014362.4(HIBCH):c.289G>A (p.Gly97Arg)

Gene: HIBCH (3-hydroxyisobutyryl-CoA hydrolase; minus strand). Cytogenetic location: 2q32.2.
Variant type: single nucleotide variant.
Coding change: c.289G>A on transcript NM_014362.4 (MANE Select); coding-DNA position 289, G replaced by A.
Protein change: p.Gly97Arg; replaces glycine 97 with arginine.
Molecular consequence: missense variant.
Genome position (GRCh38, 1-based): chr2:190,294,561, C>T on the plus strand (G>A on the coding strand, the complement: HIBCH is on the minus strand). VCF-style: chr2-190294561-C-T. GRCh37 (hg19) VCF-style: chr2-191159287-C-T.
Other names: c.289G>A, p.Gly97Arg (NM_198047.3); short protein forms G97R.
Identifiers: ClinVar variation 1207347 (VCV001207347.3), dbSNP rs1418646592, ClinGen allele CA349896228.
Genomic context (GRCh38, chr2:190,294,561, plus strand): 5'-CTAGTAGGGGGAAAGAGCACTCAGGTGAAAGGGAAAAGTCTTTACCTCTGATATCACCCC[C>T]GGCACAGAAAGCCTTTCCTCCTGCTCCCTTTATAATGATCAGGAAAGTTTCAGGATCTTG-3'
Protein context (NP_055177.2, residues 87-107): KGAGGKAFCA[Gly97Arg]GDIRVISEAE